The following is an entry in ClinVar:

ClinVar aggregate classification (germline): Uncertain significance (1 of 4 stars; one submission).

Submission:

Ambry Genetics
Classification: Uncertain significance. Last evaluated: 2025-07-16. Review status: criteria provided, single submitter. Criteria: Ambry Variant Classification Scheme 2023. Collection method: clinical testing. Allele origin: germline.
Comment: The p.L84S variant (also known as c.251T>C), located in coding exon 1 of the MLH3 gene, results from a T to C substitution at nucleotide position 251. The leucine at codon 84 is replaced by serine, an amino acid with dissimilar properties. This amino acid position is conserved. In addition, this alteration is predicted to be deleterious by in silico analysis. Based on the available evidence, the clinical significance of this variant remains unclear.

NM_001040108.2(MLH3):c.251T>C (p.Leu84Ser)

Gene: MLH3 (mutL homolog 3; minus strand). Cytogenetic location: 14q24.3.
Variant type: single nucleotide variant.
Coding change: c.251T>C on transcript NM_001040108.2 (MANE Select); coding-DNA position 251, T replaced by C.
Protein change: p.Leu84Ser; replaces leucine 84 with serine.
Molecular consequence: missense variant.
Genome position (GRCh38, 1-based): chr14:75,049,405, A>G on the plus strand (T>C on the coding strand, the complement: MLH3 is on the minus strand). VCF-style: chr14-75049405-A-G. GRCh37 (hg19) VCF-style: chr14-75516108-A-G.
Other names: c.251T>C, p.Leu84Ser (NM_014381.3); short protein forms L84S.
Identifiers: ClinVar variation 4108599 (VCV004108599.1).